The following is an entry in ClinVar:

NM_001367624.2(ZNF469):c.9674C>T (p.Ala3225Val)

Gene: ZNF469 (zinc finger protein 469; plus strand). Cytogenetic location: 16q24.2.
Variant type: single nucleotide variant.
Coding change: c.9674C>T on transcript NM_001367624.2 (MANE Select); coding-DNA position 9674, C replaced by T.
Protein change: p.Ala3225Val; replaces alanine 3225 with valine.
Molecular consequence: missense variant.
Genome position (GRCh38, 1-based): chr16:88,437,144, C>T. VCF-style: chr16-88437144-C-T. GRCh37 (hg19) VCF-style: chr16-88503552-C-T.
Other names: NM_001127464.1:c.9590C>T; short protein forms A3225V.
Identifiers: ClinVar variation 1723740 (VCV001723740.3), dbSNP rs1444997623, ClinGen allele CA397124470.

ClinVar aggregate classification (germline): Conflicting classifications of pathogenicity. Review status: criteria provided, conflicting classifications (1 of 4 stars). 2 submissions from 2 submitters: Uncertain significance (1); Likely benign (1). Last evaluated 2025-02-13.

Conditions:
Cardiovascular phenotype. Identifiers: MedGen CN230736.

Allele frequency attached by ClinVar (database versions not stated): gnomAD 0.00001; gnomAD exomes 0.00001.
gnomAD v4.1: 16 of 1,548,938 alleles (0.001%); highest among the groups gnomAD compares: Middle Eastern, 0.017%; no homozygotes.

Submissions (2):

Ambry Genetics
Classification: Likely benign for Cardiovascular phenotype. Last evaluated: 2025-02-13. Review status: criteria provided, single submitter. Criteria: Ambry Variant Classification Scheme 2023. Collection method: clinical testing. Allele origin: germline.

GeneDx
Classification: Uncertain significance. Last evaluated: 2022-05-12. Review status: criteria provided, single submitter. Criteria: GeneDx Variant Classification Process June 2021. Collection method: clinical testing. Allele origin: germline. Affected: yes.
Comment: Has not been previously published as pathogenic or benign to our knowledge; Not observed at significant frequency in large population cohorts (gnomAD); In silico analysis supports that this missense variant does not alter protein structure/function